The following is an entry in ClinVar:

ClinVar aggregate classification (germline): Uncertain significance (1 of 4 stars; one submission).

gnomAD v4.1: 3 of 1,613,876 alleles (0.00019%); highest among the groups gnomAD compares: African/African-American, 0.0027%; no homozygotes.

Submission:

Labcorp Genetics (formerly Invitae), Labcorp
Classification: Uncertain significance. Last evaluated: 2025-05-07. Review status: criteria provided, single submitter. Criteria: Invitae Variant Classification Sherloc (09022015). Collection method: clinical testing. Allele origin: germline.
Comment: This sequence change replaces serine, which is neutral and polar, with proline, which is neutral and non-polar, at codon 627 of the TCF20 protein (p.Ser627Pro). This variant is present in population databases (no rsID available, gnomAD 0.006%). This variant has not been reported in the literature in individuals affected with TCF20-related conditions. An algorithm developed to predict the effect of missense changes on protein structure and function (PolyPhen-2) suggests that this variant is likely to be tolerated. In summary, the available evidence is currently insufficient to determine the role of this variant in disease. Therefore, it has been classified as a Variant of Uncertain Significance.

NM_001378418.1(TCF20):c.1879T>C (p.Ser627Pro)

Gene: TCF20 (transcription factor 20; minus strand). Cytogenetic location: 22q13.2.
Variant type: single nucleotide variant.
Coding change: c.1879T>C on transcript NM_001378418.1 (MANE Select); coding-DNA position 1879, T replaced by C.
Protein change: p.Ser627Pro; replaces serine 627 with proline.
Molecular consequence: missense variant.
Genome position (GRCh38, 1-based): chr22:42,213,427, A>G on the plus strand (T>C on the coding strand, the complement: TCF20 is on the minus strand). VCF-style: chr22-42213427-A-G. GRCh37 (hg19) VCF-style: chr22-42609433-A-G.
Other names: c.1879T>C, p.Ser627Pro (NM_005650.4, NM_181492.3); short protein forms S627P.
Identifiers: ClinVar variation 4775236 (VCV004775236.1).